The following is an entry in ClinVar:

ClinVar aggregate classification (germline): Conflicting classifications of pathogenicity. Review status: criteria provided, conflicting classifications (1 of 4 stars). 3 submissions from 3 submitters: Likely pathogenic (1); Uncertain significance (1). 1 of the submissions does not count toward it. Last evaluated 2025-02-19.

Conditions:
Apparent mineralocorticoid excess (AME). Also called: CORTISOL 11-BETA-KETOREDUCTASE DEFICIENCY. Identifiers: Orphanet 320, MedGen C0342488, MONDO:0009025, OMIM 218030.

Allele frequency attached by ClinVar (database versions not stated): gnomAD 0.00001; gnomAD exomes 0.00001 and 0.00005; ExAC 0.00004.

Submissions (3):

GeneDx
Classification: Likely pathogenic. Last evaluated: 2025-02-19. Review status: criteria provided, single submitter. Criteria: GeneDx Variant Classification Process June 2021. Collection method: clinical testing. Allele origin: germline. Affected: yes.
Comment: Published functional studies demonstrate that this variant leads to decreased expression and enzymatic activity (PMID: 12788846); In silico analysis indicates that this missense variant does not alter protein structure/function; This variant is associated with the following publications: (PMID: 29229831, 12788846, 29617893)

Labcorp Genetics (formerly Invitae), Labcorp
Classification: Uncertain significance. Last evaluated: 2024-12-16. Review status: criteria provided, single submitter. Criteria: Invitae Variant Classification Sherloc (09022015). Collection method: clinical testing. Allele origin: germline.
Comment: This sequence change replaces aspartic acid, which is acidic and polar, with asparagine, which is neutral and polar, at codon 223 of the HSD11B2 protein (p.Asp223Asn). This variant is present in population databases (rs121917833, gnomAD 0.03%). This missense change has been observed in individual(s) with clinical features of apparent mineralocorticoid excess (PMID: 12788846). This variant is also known as 7375 GAC > AAC. ClinVar contains an entry for this variant (Variation ID: 12101). An algorithm developed to predict the effect of missense changes on protein structure and function (PolyPhen-2) suggests that this variant is likely to be disruptive. Experimental studies have shown that this missense change affects HSD11B2 function (PMID: 12788846). In summary, the available evidence is currently insufficient to determine the role of this variant in disease. Therefore, it has been classified as a Variant of Uncertain Significance.

OMIM
Classification: Pathogenic for APPARENT MINERALOCORTICOID EXCESS. Last evaluated: 2003-06-01. Review status: no assertion criteria provided. Collection method: literature only. Allele origin: germline. Not counted in ClinVar's aggregate classification.

Literature cited by the submitters: PubMed 12788846 (cited by Labcorp Genetics (formerly Invitae), Labcorp and OMIM); PubMed 7670488 (cited by OMIM).

NM_000196.4(HSD11B2):c.667G>A (p.Asp223Asn)

Gene: HSD11B2 (hydroxysteroid 11-beta dehydrogenase 2; plus strand). Cytogenetic location: 16q22.1.
Variant type: single nucleotide variant.
Coding change: c.667G>A on transcript NM_000196.4 (MANE Select); coding-DNA position 667, G replaced by A.
Protein change: p.Asp223Asn; replaces aspartic acid 223 with asparagine.
Molecular consequence: missense variant.
Genome position (GRCh38, 1-based): chr16:67,436,251, G>A. VCF-style: chr16-67436251-G-A. GRCh37 (hg19) VCF-style: chr16-67470154-G-A.
Other names: c.667G>A (NM_000196.3); short protein forms D223N.
Identifiers: ClinVar variation 12101 (VCV000012101.5), dbSNP rs121917833, ClinGen allele CA121888.